The following is an entry in ClinVar:

ClinVar aggregate classification (germline): Uncertain significance (1 of 4 stars; one submission).

gnomAD v4.1: 1 of 1,613,776 alleles (0.000062%); highest among the groups gnomAD compares: Non-Finnish European, 0.000085%; no homozygotes.

Submission:

Labcorp Genetics (formerly Invitae), Labcorp
Classification: Uncertain significance. Last evaluated: 2025-02-19. Review status: criteria provided, single submitter. Criteria: Invitae Variant Classification Sherloc (09022015). Collection method: clinical testing. Allele origin: germline.
Comment: This sequence change replaces leucine, which is neutral and non-polar, with isoleucine, which is neutral and non-polar, at codon 493 of the CNGB3 protein (p.Leu493Ile). This variant is not present in population databases (gnomAD no frequency). This variant has not been reported in the literature in individuals affected with CNGB3-related conditions. ClinVar contains an entry for this variant (Variation ID: 939696). Invitae Evidence Modeling of protein sequence and biophysical properties (such as structural, functional, and spatial information, amino acid conservation, physicochemical variation, residue mobility, and thermodynamic stability) has been performed for this missense variant. However, the output from this modeling did not meet the statistical confidence thresholds required to predict the impact of this variant on CNGB3 protein function. In summary, the available evidence is currently insufficient to determine the role of this variant in disease. Therefore, it has been classified as a Variant of Uncertain Significance.

NM_019098.5(CNGB3):c.1477C>A (p.Leu493Ile)

Gene: CNGB3 (cyclic nucleotide gated channel subunit beta 3; minus strand). Cytogenetic location: 8q21.3.
Variant type: single nucleotide variant.
Coding change: c.1477C>A on transcript NM_019098.5 (MANE Select); coding-DNA position 1477, C replaced by A.
Protein change: p.Leu493Ile; replaces leucine 493 with isoleucine.
Molecular consequence: missense variant.
Genome position (GRCh38, 1-based): chr8:86,628,922, G>T on the plus strand (C>A on the coding strand, the complement: CNGB3 is on the minus strand). VCF-style: chr8-86628922-G-T. GRCh37 (hg19) VCF-style: chr8-87641150-G-T.
Other names: short protein forms L493I.
Identifiers: ClinVar variation 939696 (VCV000939696.5), dbSNP rs1822903057, ClinGen allele CA371443037.